The following is an entry in ClinVar:

ClinVar aggregate classification (germline): Uncertain significance. Review status: criteria provided, multiple submitters, no conflicts (2 of 4 stars). 2 submissions from 2 submitters: Uncertain significance (2). Last evaluated 2025-05-27.

Conditions:
DICER1-related tumor predisposition. Also called: DICER1-related pleuropulmonary blastoma cancer predisposition syndrome; DICER1 syndrome. Identifiers: Orphanet 284343, MedGen C3839822, MONDO:0100216.
Hereditary cancer-predisposing syndrome. Also called: Hereditary Cancer Syndrome; Neoplastic Syndromes, Hereditary; Hereditary neoplastic syndrome; Tumor predisposition. Identifiers: Orphanet 140162, MedGen C0027672, MeSH D009386, MONDO:0015356.

Allele frequency attached by ClinVar (database versions not stated): gnomAD exomes below 0.00001.
gnomAD v4.1: 1 of 1,613,954 alleles (0.000062%); highest among the groups gnomAD compares: South Asian, 0.0011%; no homozygotes.

Submissions (2):

Labcorp Genetics (formerly Invitae), Labcorp
Classification: Uncertain significance for DICER1-related tumor predisposition. Last evaluated: 2025-05-27. Review status: criteria provided, single submitter. Criteria: Invitae Variant Classification Sherloc (09022015). Collection method: clinical testing. Allele origin: germline.
Comment: This sequence change replaces methionine, which is neutral and non-polar, with threonine, which is neutral and polar, at codon 562 of the DICER1 protein (p.Met562Thr). This variant is not present in population databases (gnomAD no frequency). This variant has not been reported in the literature in individuals affected with DICER1-related conditions. ClinVar contains an entry for this variant (Variation ID: 819834). Invitae Evidence Modeling of protein sequence and biophysical properties (such as structural, functional, and spatial information, amino acid conservation, physicochemical variation, residue mobility, and thermodynamic stability) indicates that this missense variant is not expected to disrupt DICER1 protein function with a negative predictive value of 95%. In summary, the available evidence is currently insufficient to determine the role of this variant in disease. Therefore, it has been classified as a Variant of Uncertain Significance.

Ambry Genetics
Classification: Uncertain significance for Hereditary cancer-predisposing syndrome. Last evaluated: 2023-06-08. Review status: criteria provided, single submitter. Criteria: Ambry Variant Classification Scheme 2023. Collection method: clinical testing. Allele origin: germline.
Comment: The p.M562T variant (also known as c.1685T>C), located in coding exon 9 of the DICER1 gene, results from a T to C substitution at nucleotide position 1685. The methionine at codon 562 is replaced by threonine, an amino acid with similar properties. This amino acid position is highly conserved in available vertebrate species. In addition, the in silico prediction for this alteration is inconclusive. Since supporting evidence is limited at this time, the clinical significance of this alteration remains unclear.

NM_177438.3(DICER1):c.1685T>C (p.Met562Thr)

Gene: DICER1 (dicer 1, ribonuclease III; minus strand). Cytogenetic location: 14q32.13.
Variant type: single nucleotide variant.
Coding change: c.1685T>C on transcript NM_177438.3 (MANE Select); coding-DNA position 1685, T replaced by C.
Protein change: p.Met562Thr; replaces methionine 562 with threonine.
Molecular consequence: missense variant.
Genome position (GRCh38, 1-based): chr14:95,116,520, A>G on the plus strand (T>C on the coding strand, the complement: DICER1 is on the minus strand). VCF-style: chr14-95116520-A-G. GRCh37 (hg19) VCF-style: chr14-95582857-A-G.
Other names: c.1685T>C, p.Met562Thr (NM_001195573.1, NM_001271282.3, NM_001291628.2 and 1 more transcripts); short protein forms M562T.
Identifiers: ClinVar variation 819834 (VCV000819834.9), dbSNP rs1595410959, ClinGen allele CA390884800.